The following continues an entry in ClinVar:

NM_002834.5(PTPN11):c.317A>C (p.Asp106Ala)

Gene: PTPN11. ClinVar aggregate classification (germline): Pathogenic. Pathogenic (16).

Submissions 11 to 18 of 18:

ARUP Laboratories, Molecular Genetics and Genomics, ARUP Laboratories
Classification: Pathogenic. Last evaluated: 2020-02-07. Review status: criteria provided, single submitter. Criteria: ARUP Molecular Germline Variant Investigation Process. Collection method: clinical testing. Allele origin: germline.
Comment: The PTPN11 c.317A>C; p.Asp106Ala variant (rs397507517) is reported in the literature in multiple individuals affected with Noonan syndrome (Bertelloni 2013, Hung 2007, Leach 2019, Pierpont 2009, Shaw 2007, Stevenson 2011, Tartaglia 2002). This variant is also reported in ClinVar (Variation ID: 40506), but is absent from general population databases (Exome Variant Server, Genome Aggregation Database), indicating it is not a common polymorphism. The aspartic acid at codon 106 is moderately conserved, and computational analyses (SIFT: tolerated, PolyPhen-2: possibly damaging) predict conflicting effects of this variant on protein structure/function. Functional analyses of the variant protein show hyperactivation upon peptide addition (Keilhack 2005). Additionally, another variant at this codon (c.317A>G; p.Asp106Gly) has been reported in individuals with Noonan syndrome (Bertelloni 2013). Based on available information, the p.Asp106Ala variant is considered to be pathogenic. References: Bertelloni S et al. IGF-I generation test in prepubertal children with Noonan syndrome due to mutations in the PTPN11 gene. Hormones (Athens). 2013 Jan-Mar;12(1):86-92. Hung CS et al. Mutational analysis of PTPN11 gene in Taiwanese children with Noonan syndrome. J Formos Med Assoc. 2007 Feb;106(2):169-72. Keilhack H et al. Diverse biochemical properties of Shp2 mutants. Implications for disease phenotypes. J Biol Chem. 2005 Sep 2;280(35):30984-93. Leach NT et al. Comparative assessment of gene-specific variant distribution in prenatal and postnatal cohorts tested for Noonan syndrome and related conditions. Genet Med. 2019 Feb;21(2):417-425. Pierpont EI et al. Genotype differences in cognitive functioning in Noonan syndrome. Genes Brain Behav. 2009 Apr;8(3):275-82. Shaw AC et al. The natural history of Noonan syndrome: a long-term follow-up study. Arch Dis Child. 2007 Feb;92(2):128-32. Stevenson DA et al. Bone resorption in syndromes of the Ras/MAPK pathway. Clin Genet. 2011 Dec;80(6):566-73. Tartaglia M et al. PTPN11 mutations in Noonan syndrome: molecular spectrum, genotype-phenotype correlation, and phenotypic heterogeneity. Am J Hum Genet. 2002 Jun;70(6):1555-63.

Laboratory for Molecular Medicine, Mass General Brigham Personalized Medicine
Classification: Pathogenic for Noonan syndrome. Last evaluated: 2019-12-20. Review status: criteria provided, single submitter. Criteria: LMM Criteria. Collection method: clinical testing. Allele origin: germline. Observed: 11 variant alleles.
Comment: The p.Asp106Ala variant in PTPN11 has been reported in >10 individuals with Noonan syndrome-related disorders and non-immune hydrops fetalis. It segregated with disease in 2 affected individuals from 1 family (Tartaglia 2002, Bertola 2006, Tartaglia 2006, Hung 2007, Shaw 2007, Pierpont 2009, Stevenson 2010, Leach 2019, Sparks 2019). It has additionally been observed at the Laboratory for Molecular Medicine in 7 individuals, 5 with Noonan syndrome-like features and 1 with pulmonary stenosis. This variant was also observed de novo in a patient with Noonan syndrome tested by GeneDx (Clinvar Variation ID: 40506, Accession: SCV000057388.14). It was absent from large population studies. In vitro functional studies provide some evidence that the p.Asp106Ala variant may impact protein function (Keilhack 2005, Chan 2008, Lee 2010). In summary, this variant meets criteria to be classified as pathogenic for autosomal dominant Noonan syndrome-related disorders. ACMG/AMP Criteria applied: PS4, PM6_Strong, PM2, PP3, PS3_Supporting.

Genome Diagnostics Laboratory, The Hospital for Sick Children
Classification: Pathogenic for Noonan syndrome and Noonan-related syndrome. Last evaluated: 2018-11-01. Review status: criteria provided, single submitter. Criteria: ACMG Guidelines, 2015. Collection method: clinical testing. Allele origin: germline. Affected: yes.

Clinical Genetics Service, Universitary Hospital 12 de Octubre
Classification: Pathogenic for Noonan syndrome 1. Review status: criteria provided, single submitter. Criteria: ACMG Guidelines, 2015. Collection method: clinical testing. Allele origin: germline. Affected: yes.

Juno Genomics, Hangzhou Juno Genomics, Inc
Classification: Pathogenic for Noonan syndrome 1. Review status: criteria provided, single submitter. Criteria: ACMG Guidelines, 2015. Collection method: clinical testing. Allele origin: germline. Affected: yes.
Comment: Absent from controls (or at extremely low frequency if recessive) in Genome Aggregation Database, Exome Sequencing Project, 1000 Genomes Project, or Exome Aggregation Consortium.;Missense variant in a gene that has a low rate of benign missense variation and where missense variants are a common mechanism of disease.;Well-established in vitro or in vivo functional studies supportive of a damaging effect on the gene or gene product.;The prevalence of the variant in affected individuals is significantly increased compared to the prevalence in controls.

Neuberg Centre For Genomic Medicine, NCGM
Classification: Pathogenic for Noonan syndrome 1. Review status: criteria provided, single submitter. Criteria: ACMG Guidelines, 2015. Collection method: clinical testing. Allele origin: germline. Inheritance: Autosomal dominant inheritance. Affected: yes.

Clinical Molecular Genetics Laboratory, Johns Hopkins All Children's Hospital
Classification: Pathogenic for Noonan syndrome. Last evaluated: 2015-06-25. Review status: no assertion criteria provided. Collection method: clinical testing. Allele origin: germline. Affected: yes. Not counted in ClinVar's aggregate classification.

Baylor Genetics
Classification: Pathogenic for Rasopathy. Review status: no assertion criteria provided. Collection method: clinical testing. Allele origin: unknown. Affected: yes. Not counted in ClinVar's aggregate classification.
Comment: Variant classified using ACMG guidelines

Literature cited by the submitters: PubMed 15385933 (cited by Women's Health and Genetics/Laboratory Corporation of America, LabCorp); PubMed 14644997 (cited by Women's Health and Genetics/Laboratory Corporation of America, LabCorp); PubMed 12717436 (cited by Women's Health and Genetics/Laboratory Corporation of America, LabCorp and Labcorp Genetics (formerly Invitae), Labcorp); PubMed 17020470 (cited by Women's Health and Genetics/Laboratory Corporation of America, LabCorp and Laboratory for Molecular Medicine, Mass General Brigham Personalized Medicine); PubMed 17339163 (cited by 4 submitters); PubMed 15987685 (cited by 4 submitters); PubMed 12960218 (cited by Women's Health and Genetics/Laboratory Corporation of America, LabCorp); PubMed 25097206 (cited by Women's Health and Genetics/Laboratory Corporation of America, LabCorp); PubMed 19047918 (cited by Women's Health and Genetics/Laboratory Corporation of America, LabCorp); PubMed 19179468 (cited by Women's Health and Genetics/Laboratory Corporation of America, LabCorp); PubMed 17972951 (cited by Women's Health and Genetics/Laboratory Corporation of America, LabCorp); PubMed 15710330 (cited by Women's Health and Genetics/Laboratory Corporation of America, LabCorp); PubMed 25395418 (cited by Women's Health and Genetics/Laboratory Corporation of America, LabCorp); PubMed 27276561 (cited by Women's Health and Genetics/Laboratory Corporation of America, LabCorp); PubMed 32561839 (cited by Women's Health and Genetics/Laboratory Corporation of America, LabCorp); PubMed 18470943 (cited by Labcorp Genetics (formerly Invitae), Labcorp and Dasa); PubMed 18286234 (cited by 3 submitters); PubMed 32164556 (cited by Dasa and New York Genome Center); PubMed 31292302 (cited by Dasa); PubMed 1733916 (cited by Dasa); PubMed 29907801 (cited by New York Genome Center and Laboratory for Molecular Medicine, Mass General Brigham Personalized Medicine); PubMed 19077116 (cited by New York Genome Center and Laboratory for Molecular Medicine, Mass General Brigham Personalized Medicine); PubMed 16990350 (cited by New York Genome Center and Laboratory for Molecular Medicine, Mass General Brigham Personalized Medicine); PubMed 21204800 (cited by New York Genome Center and Laboratory for Molecular Medicine, Mass General Brigham Personalized Medicine); PubMed 11992261 (cited by 3 submitters); PubMed 30410095 (cited by Laboratory for Molecular Medicine, Mass General Brigham Personalized Medicine); PubMed 16358218 (cited by Laboratory for Molecular Medicine, Mass General Brigham Personalized Medicine); PubMed 19835954 (cited by Laboratory for Molecular Medicine, Mass General Brigham Personalized Medicine).